The following is an entry in ClinVar:

NM_003872.3(NRP2):c.2075A>G (p.Asp692Gly)

Gene: NRP2 (neuropilin 2; plus strand). Cytogenetic location: 2q33.3.
Variant type: single nucleotide variant.
Coding change: c.2075A>G on transcript NM_003872.3 (MANE Select); coding-DNA position 2075, A replaced by G.
Protein change: p.Asp692Gly; replaces aspartic acid 692 with glycine.
Molecular consequence: missense variant.
Genome position (GRCh38, 1-based): chr2:205,763,704, A>G. VCF-style: chr2-205763704-A-G. GRCh37 (hg19) VCF-style: chr2-206628428-A-G.
Other names: c.2075A>G, p.Asp692Gly (NM_201267.2, NM_201279.2, NM_018534.4 and 1 more transcripts); short protein forms D692G.
Identifiers: ClinVar variation 4122865 (VCV004122865.2).
Genomic context (GRCh38, chr2:205,763,704, plus strand): 5'-AGAACCTCTGTTTGGGTTTGTTTCTGCCAGATGACAGGAATTTCTTGCGGCTGCAGAGTG[A>G]CAGCCAGAGAGAGGGCCAGTATGCCCGGCTCATCAGCCCCCCTGTCCACCTGCCCCGAAG-3'
Protein context (NP_003863.2, residues 682-702): DDRNFLRLQS[Asp692Gly]SQREGQYARL

ClinVar aggregate classification (germline): Uncertain significance. Review status: criteria provided, multiple submitters, no conflicts (2 of 4 stars). 2 submissions from 2 submitters: Uncertain significance (2). Last evaluated 2026-05-21.

Conditions:
NRP2-related disorder. Also called: NRP2-related condition.

gnomAD v4.1: 7 of 1,614,100 alleles (0.00043%); highest among the groups gnomAD compares: African/African-American, 0.0053%; no homozygotes.

Submissions (2):

PreventionGenetics, part of Exact Sciences
Classification: Uncertain significance for NRP2-related condition. Last evaluated: 2026-05-21. Review status: criteria provided, single submitter. Criteria: ACMG Guidelines, 2015. Collection method: clinical testing. Allele origin: germline.
Comment: The NRP2 c.2075A>G variant is predicted to result in the amino acid substitution p.Asp692Gly. To our knowledge, this variant has not been reported in the literature. This variant is reported in 0.0040% of alleles in individuals of African descent in gnomAD. At this time, the clinical significance of this variant is uncertain due to the absence of conclusive functional and genetic evidence.

Ambry Genetics
Classification: Uncertain significance. Last evaluated: 2025-08-14. Review status: criteria provided, single submitter. Criteria: Ambry Variant Classification Scheme 2023. Collection method: clinical testing. Allele origin: germline.